The following is an entry in ClinVar:

NM_147127.5(EVC2):c.2581C>T (p.Gln861Ter)

Gene: EVC2 (EvC ciliary complex subunit 2; minus strand). Cytogenetic location: 4p16.2.
Variant type: single nucleotide variant.
Coding change: c.2581C>T on transcript NM_147127.5 (MANE Select); coding-DNA position 2581, C replaced by T.
Protein change: p.Gln861Ter; replaces glutamine 861 with a stop codon.
Molecular consequence: nonsense.
Genome position (GRCh38, 1-based): chr4:5,618,603, G>A on the plus strand (C>T on the coding strand, the complement: EVC2 is on the minus strand). VCF-style: chr4-5618603-G-A. GRCh37 (hg19) VCF-style: chr4-5620330-G-A.
Other names: c.2341C>T, p.Gln781Ter (NM_001166136.2); short protein forms Q781*, Q861*.
Identifiers: ClinVar variation 4875596 (VCV004875596.3).

ClinVar aggregate classification (germline): Pathogenic/Likely pathogenic. Review status: criteria provided, multiple submitters, no conflicts (2 of 4 stars). 2 submissions from 2 submitters: Pathogenic (1); Likely pathogenic (1). Last evaluated 2026-05-20.

Conditions:
Ellis-van Creveld syndrome (EVC). Also called: Chondroectodermal dysplasia; MESOECTODERMAL DYSPLASIA. Identifiers: Orphanet 289, MedGen C0013903, MONDO:0009162, OMIM 225500.
Curry-Hall syndrome (WAD). Also called: WEYERS ACRODENTAL DYSOSTOSIS. Identifiers: Orphanet 952, MedGen C0457013, MONDO:0008673, OMIM 193530.

Submissions (2):

MVZ Martinsried, Medicover Genetics
Classification: Pathogenic for Ellis-van Creveld syndrome. Last evaluated: 2026-05-20. Review status: criteria provided, single submitter. Criteria: ACGS Guidelines, 2020. Collection method: clinical testing. Allele origin: unknown. Affected: yes. Observed: 1 homozygote.

Juno Genomics, Hangzhou Juno Genomics, Inc
Classification: Likely pathogenic for Ellis-van Creveld syndrome; Curry-Hall syndrome. Review status: criteria provided, single submitter. Criteria: ACMG Guidelines, 2015. Collection method: clinical testing. Allele origin: germline.
Comment: Null variant in a gene where loss of function (LOF) is a known mechanism of disease.;Absent from controls (or at extremely low frequency if recessive) in Genome Aggregation Database.